The following is an entry in ClinVar:

ClinVar aggregate classification (germline): Uncertain significance (1 of 4 stars; one submission).

Conditions:
Nephronophthisis 14 (NPHP14). Identifiers: Orphanet 2318, MedGen C3539071, MONDO:0013916, OMIM 614844.

Submission:

Labcorp Genetics (formerly Invitae), Labcorp
Classification: Uncertain significance for Nephronophthisis 14. Last evaluated: 2022-05-13. Review status: criteria provided, single submitter. Criteria: Invitae Variant Classification Sherloc (09022015). Collection method: clinical testing. Allele origin: germline.
Comment: In summary, the available evidence is currently insufficient to determine the role of this variant in disease. Therefore, it has been classified as a Variant of Uncertain Significance. Algorithms developed to predict the effect of missense changes on protein structure and function are either unavailable or do not agree on the potential impact of this missense change (SIFT: "Deleterious"; PolyPhen-2: "Benign"; Align-GVGD: "Class C0"). This variant has not been reported in the literature in individuals affected with ZNF423-related conditions. This variant is not present in population databases (gnomAD no frequency). This sequence change replaces serine, which is neutral and polar, with phenylalanine, which is neutral and non-polar, at codon 449 of the ZNF423 protein (p.Ser449Phe).

NM_001379286.1(ZNF423):c.1370C>T (p.Ser457Phe)

Gene: ZNF423 (zinc finger protein 423; minus strand). Cytogenetic location: 16q12.1.
Variant type: single nucleotide variant.
Coding change: c.1370C>T on transcript NM_001379286.1 (MANE Select); coding-DNA position 1370, C replaced by T.
Protein change: p.Ser457Phe; replaces serine 457 with phenylalanine.
Molecular consequence: missense variant.
Genome position (GRCh38, 1-based): chr16:49,637,806, G>A on the plus strand (C>T on the coding strand, the complement: ZNF423 is on the minus strand). VCF-style: chr16-49637806-G-A. GRCh37 (hg19) VCF-style: chr16-49671717-G-A.
Other names: c.1166C>T, p.Ser389Phe (NM_001271620.2); c.995C>T, p.Ser332Phe (NM_001330533.2); c.1346C>T, p.Ser449Phe (NM_015069.5); short protein forms S457F, S449F, S332F, S389F.
Identifiers: ClinVar variation 2127338 (VCV002127338.4), dbSNP rs2507011674, ClinGen allele CA395849745.